The following is an entry in ClinVar:

NM_020461.4(TUBGCP6):c.4294C>T (p.Pro1432Ser)

Gene: TUBGCP6 (tubulin gamma complex component 6; minus strand). Cytogenetic location: 22q13.33.
Variant type: single nucleotide variant.
Coding change: c.4294C>T on transcript NM_020461.4 (MANE Select); coding-DNA position 4294, C replaced by T.
Protein change: p.Pro1432Ser; replaces proline 1432 with serine.
Molecular consequence: missense variant.
Genome position (GRCh38, 1-based): chr22:50,219,665, G>A on the plus strand (C>T on the coding strand, the complement: TUBGCP6 is on the minus strand). VCF-style: chr22-50219665-G-A. GRCh37 (hg19) VCF-style: chr22-50658094-G-A.
Other names: c.4294C>T (NM_020461.3); short protein forms P1432S.
Identifiers: ClinVar variation 1020689 (VCV001020689.7), dbSNP rs747976733, ClinGen allele CA10307596.

ClinVar aggregate classification (germline): Uncertain significance. Review status: criteria provided, multiple submitters, no conflicts (2 of 4 stars). 2 submissions from 2 submitters: Uncertain significance (2). Last evaluated 2025-05-11.

Conditions:
Inborn genetic diseases. Identifiers: MedGen C0950123, MeSH D030342.

Allele frequency attached by ClinVar (database versions not stated): TOPMed 0.00001; gnomAD 0.00003 and 0.00004; gnomAD exomes 0.00004; ExAC 0.00006.
gnomAD v4.1: 67 of 1,613,580 alleles (0.0042%); highest among the groups gnomAD compares: Non-Finnish European, 0.0052%; no homozygotes.

Submissions (2):

Labcorp Genetics (formerly Invitae), Labcorp
Classification: Uncertain significance. Last evaluated: 2025-05-11. Review status: criteria provided, single submitter. Criteria: Invitae Variant Classification Sherloc (09022015). Collection method: clinical testing. Allele origin: germline.
Comment: This sequence change replaces proline, which is neutral and non-polar, with serine, which is neutral and polar, at codon 1432 of the TUBGCP6 protein (p.Pro1432Ser). This variant is present in population databases (rs747976733, gnomAD 0.006%). This variant has not been reported in the literature in individuals affected with TUBGCP6-related conditions. ClinVar contains an entry for this variant (Variation ID: 1020689). An algorithm developed to predict the effect of missense changes on protein structure and function (PolyPhen-2) suggests that this variant is likely to be disruptive. In summary, the available evidence is currently insufficient to determine the role of this variant in disease. Therefore, it has been classified as a Variant of Uncertain Significance.

Ambry Genetics
Classification: Uncertain significance for Inborn genetic diseases. Last evaluated: 2024-08-26. Review status: criteria provided, single submitter. Criteria: Ambry Variant Classification Scheme 2023. Collection method: clinical testing. Allele origin: germline.